The following is an entry in ClinVar:

NM_015450.3(POT1):c.950G>C (p.Ser317Thr)

Gene: POT1 (protection of telomeres 1; minus strand). Cytogenetic location: 7q31.33.
Variant type: single nucleotide variant.
Coding change: c.950G>C on transcript NM_015450.3 (MANE Select); coding-DNA position 950, G replaced by C.
Protein change: p.Ser317Thr; replaces serine 317 with threonine.
Molecular consequence: missense variant. On other transcripts: non-coding transcript variant (3).
Genome position (GRCh38, 1-based): chr7:124,846,998, C>G on the plus strand (G>C on the coding strand, the complement: POT1 is on the minus strand). VCF-style: chr7-124846998-C-G. GRCh37 (hg19) VCF-style: chr7-124487052-C-G.
Other names: c.557G>C, p.Ser186Thr (NM_001042594.2); short protein forms S186T, S317T.
Identifiers: ClinVar variation 2920120 (VCV002920120.3), dbSNP rs2485418734, ClinGen allele CA369053868.
Genomic context (GRCh38, chr7:124,846,998, plus strand): 5'-TTACTTGTAGCAGATAGCTGTTGACATCTTTCTACCTCGTATAATGATACTGATCCAGAG[C>G]CTATAAAAAGGAAAAGGCAAAAAAATTAAGTCCATTACAACTTCATTGTAGAACTGAAAA-3'
Protein context (NP_056265.2, residues 307-327): CQSEPDDSFP[Ser317Thr]SGSVSLYEVE

ClinVar aggregate classification (germline): Uncertain significance (1 of 4 stars; one submission).

Conditions:
Tumor predisposition syndrome 3 (TPDS3). Also called: Melanoma, cutaneous malignant, susceptibility to, 10; Glioma susceptibility 9; LONG TELOMERE SYNDROME, POT1-RELATED; POT1 Tumor Predisposition. Identifiers: Orphanet 618, MedGen C4014476, MONDO:0014368, OMIM 615848.

Submission:

Labcorp Genetics (formerly Invitae), Labcorp
Classification: Uncertain significance for Tumor predisposition syndrome 3. Last evaluated: 2023-02-13. Review status: criteria provided, single submitter. Criteria: Invitae Variant Classification Sherloc (09022015). Collection method: clinical testing. Allele origin: germline.
Comment: This variant has not been reported in the literature in individuals affected with POT1-related conditions. This sequence change replaces serine, which is neutral and polar, with threonine, which is neutral and polar, at codon 317 of the POT1 protein (p.Ser317Thr). This variant is not present in population databases (gnomAD no frequency). Algorithms developed to predict the effect of missense changes on protein structure and function (SIFT, PolyPhen-2, Align-GVGD) all suggest that this variant is likely to be tolerated. Algorithms developed to predict the effect of sequence changes on RNA splicing suggest that this variant may disrupt the consensus splice site. In summary, the available evidence is currently insufficient to determine the role of this variant in disease. Therefore, it has been classified as a Variant of Uncertain Significance.